The following is an entry in ClinVar:

NM_014712.3(SETD1A):c.2505G>A (p.Lys835=)

Gene: SETD1A (SET domain containing 1A, histone lysine methyltransferase; plus strand). Cytogenetic location: 16p11.2.
Variant type: single nucleotide variant.
Coding change: c.2505G>A on transcript NM_014712.3 (MANE Select); coding-DNA position 2505, G replaced by A.
Protein change: p.Lys835=; no amino-acid change (lysine 835 retained).
Molecular consequence: synonymous variant.
Genome position (GRCh38, 1-based): chr16:30,966,386, G>A. VCF-style: chr16-30966386-G-A. GRCh37 (hg19) VCF-style: chr16-30977707-G-A.
Identifiers: ClinVar variation 2662954 (VCV002662954.1), dbSNP rs2543864332, ClinGen allele CA494918191.

ClinVar aggregate classification (germline): Likely pathogenic (1 of 4 stars; one submission).

Submission:

GeneDx
Classification: Likely pathogenic. Last evaluated: 2023-11-09. Review status: criteria provided, single submitter. Criteria: GeneDx Variant Classification Process June 2021. Collection method: clinical testing. Allele origin: germline. Affected: yes.
Comment: Has not been previously published as pathogenic or benign to our knowledge; Not observed at significant frequency in large population cohorts (gnomAD); In silico analysis supports that this variant does not alter splicing